The following is an entry in ClinVar:

NM_001267550.2(TTN):c.2018T>G (p.Leu673Arg)

Gene: TTN (titin; minus strand). Cytogenetic location: 2q31.2.
Variant type: single nucleotide variant.
Coding change: c.2018T>G on transcript NM_001267550.2 (MANE Select); coding-DNA position 2018, T replaced by G.
Protein change: p.Leu673Arg; replaces leucine 673 with arginine.
Molecular consequence: missense variant.
Genome position (GRCh38, 1-based): chr2:178,789,418, A>C on the plus strand (T>G on the coding strand, the complement: TTN is on the minus strand). VCF-style: chr2-178789418-A-C. GRCh37 (hg19) VCF-style: chr2-179654145-A-C.
Other names: c.2018T>G, p.Leu673Arg (NM_001256850.1, NM_133378.4, NM_133379.5); c.1880T>G, p.Leu627Arg (NM_003319.4, NM_133432.3, NM_133437.4); short protein forms L627R, L673R.
Identifiers: ClinVar variation 2577182 (VCV002577182.1), dbSNP rs2093372549, ClinGen allele CA349505085.
Genomic context (GRCh38, chr2:178,789,418, plus strand): 5'-ACCTTTCCATGGGTAACTTGGATTTGTTCTTGTCTAGTAGCCATAGTTTCTCTAGTTCTC[A>C]GTATTGTTTCTTGTTCTTTGGCTTTAGCAGTAGCAACTGCTATTGTAGACAAGGCAGTTT-3'
Protein context (NP_001254479.2, residues 663-683): TAKAKEQETI[Leu673Arg]RTRETMATRQ

ClinVar aggregate classification (germline): Uncertain significance (1 of 4 stars; one submission).

Allele frequency attached by ClinVar (database versions not stated): TOPMed below 0.00001.

Submission:

Women's Health and Genetics/Laboratory Corporation of America, LabCorp
Classification: Uncertain significance. Last evaluated: 2023-07-03. Review status: criteria provided, single submitter. Criteria: LabCorp Variant Classification Summary - May 2015. Collection method: clinical testing. Allele origin: germline.
Comment: Variant summary: TTN c.2018T>G (p.Leu673Arg) results in a non-conservative amino acid change located in the I-band of the encoded protein sequence. Three of five in-silico tools predict a benign effect of the variant on protein function. The variant was absent in 251026 control chromosomes. The available data on variant occurrences in the general population are insufficient to allow any conclusion about variant significance. To our knowledge, no occurrence of c.2018T>G in individuals affected with Limb-Girdle Muscular Dystrophy, Type 2J and no experimental evidence demonstrating its impact on protein function have been reported. No submitters have cited clinical-significance assessments for this variant to ClinVar after 2014. Based on the evidence outlined above, the variant was classified as uncertain significance.